The following is an entry in ClinVar:

NM_000135.4(FANCA):c.102dup (p.Tyr35fs)

Gene: FANCA (FA complementation group A; minus strand). Cytogenetic location: 16q24.3.
Variant type: Duplication.
Coding change: c.102dup on transcript NM_000135.4 (MANE Select); coding-DNA position 102, one base duplicated (A; older notation c.102dupA).
Protein change: p.Tyr35fs; shifts the reading frame from tyrosine 35.
Molecular consequence: frameshift variant.
Genome position (GRCh38, 1-based): chr16:89,815,964, T duplicated on the plus strand (A on the coding strand, the reverse complement: FANCA is on the minus strand); the first of 5 consecutive T bases (chr16:89,815,964-89,815,968); duplicating any one gives the same sequence. VCF-style (leftmost placement, unchanged base first): chr16-89815963-A-AT. GRCh37 (hg19) VCF-style: chr16-89882371-A-AT.
Other names: c.102dup, p.Tyr35fs (NM_001018112.3, NM_001286167.3, NM_001351830.2); short protein forms Y35fs.
Identifiers: ClinVar variation 2829972 (VCV002829972.3), dbSNP rs2143724329, ClinGen allele CA2739265529.
Genomic context (GRCh38, chr16:89,815,963, plus strand): 5'-GATGGCTTCGCAGGAGGCGCACAGCTGATTCCTTTAATTTCTGTGCCCTTTCAGGATTAT[A>AT]TTTTTCCCTCTTGACCCTTCCCGCTACGGAGAGAAGTCGGTTCGAAACCATCACAGCACA-3'

ClinVar aggregate classification (germline): Pathogenic (1 of 4 stars; one submission).

Conditions:
Fanconi anemia (FA). Also called: Fanconi's anemia. Identifiers: Orphanet 84, MedGen C0015625, MeSH D005199, MONDO:0019391.

Submission:

Labcorp Genetics (formerly Invitae), Labcorp
Classification: Pathogenic for Fanconi anemia. Last evaluated: 2023-03-07. Review status: criteria provided, single submitter. Criteria: Invitae Variant Classification Sherloc (09022015). Collection method: clinical testing. Allele origin: germline.
Comment: This variant has not been reported in the literature in individuals affected with FANCA-related conditions. For these reasons, this variant has been classified as Pathogenic. This variant is not present in population databases (gnomAD no frequency). This sequence change creates a premature translational stop signal (p.Tyr35Ilefs*2) in the FANCA gene. It is expected to result in an absent or disrupted protein product. Loss-of-function variants in FANCA are known to be pathogenic (PMID: 19367192).

Literature cited by the submitters: PubMed 19367192.